The following is an entry in ClinVar:

NM_001018113.3(FANCB):c.1442G>A (p.Arg481His)

Gene: FANCB (FA complementation group B; minus strand). Cytogenetic location: Xp22.2.
Variant type: single nucleotide variant.
Coding change: c.1442G>A on transcript NM_001018113.3 (MANE Select); coding-DNA position 1442, G replaced by A.
Protein change: p.Arg481His; replaces arginine 481 with histidine.
Molecular consequence: missense variant.
Genome position (GRCh38, 1-based): chrX:14,850,559, C>T on the plus strand (G>A on the coding strand, the complement: FANCB is on the minus strand). VCF-style: chrX-14850559-C-T. GRCh37 (hg19) VCF-style: chrX-14868681-C-T.
Other names: c.1442G>A (NM_001018113.2); c.1442G>A, p.Arg481His (NM_001324162.2, NM_152633.4); short protein forms R481H.
Identifiers: ClinVar variation 526496 (VCV000526496.16), dbSNP rs140198444, ClinGen allele CA10353047.
Genomic context (GRCh38, chrX:14,850,559, plus strand): 5'-ACTTACAGCTTCAAAGAAGATGTAGTTTTCACTCCAACAACCAAGCTATCATCTATTACA[C>T]GATACCATATCTTCTCTACTAGCTGTTCTGAATCTTGAAAATTGTCTGATAACTTTTCAT-3'
Protein context (NP_001018123.1, residues 471-491): SEQLVEKIWY[Arg481His]VIDDSLVVGV

ClinVar aggregate classification (germline): Benign/Likely benign. Review status: criteria provided, multiple submitters, no conflicts (2 of 4 stars). 5 submissions from 4 submitters: Benign (3); Likely benign (2). Last evaluated 2026-06-12.

Conditions:
Fanconi anemia (FA). Also called: Fanconi's anemia. Identifiers: Orphanet 84, MedGen C0015625, MeSH D005199, MONDO:0019391.
FANCB-related disorder. Also called: FANCB-related condition.
Fanconi anemia complementation group B (FANCB). Also called: FANCB-Related Fanconi Anemia; FANCONI PANCYTOPENIA, TYPE 2. Identifiers: Orphanet 84, MedGen C1845292, MONDO:0010351, OMIM 300514.
VACTERL association, X-linked, with or without hydrocephalus (VACTERLX). Also called: VACTERL Association with Hydrocephalus, X-linked; X-linked VACTERL-H syndrome; VACTERL-H, X-LINKED; VACTERL ASSOCIATION, X-LINKED. Identifiers: Orphanet 3412, MedGen C2931228, MONDO:0010752, OMIM 314390.

Allele frequency attached by ClinVar (database versions not stated): gnomAD exomes 0.00007 and 0.00015; ExAC 0.00018; ESP Exome Variant Server 0.00038; gnomAD 0.00049 and 0.00053; TOPMed 0.00062.
gnomAD v4.1: 134 of 1,197,198 alleles (0.011%); highest among the groups gnomAD compares: African/African-American, 0.16%; no homozygotes.

Submissions (5):

PreventionGenetics, part of Exact Sciences
Classification: Likely benign for FANCB-related condition. Last evaluated: 2026-06-12. Review status: criteria provided, single submitter. Criteria: ACMG Guidelines, 2015. Collection method: clinical testing. Allele origin: germline.
Comment: This variant is classified as likely benign based on ACMG/AMP sequence variant interpretation guidelines (Richards et al. 2015 PMID: 25741868, with internal and published modifications).

Labcorp Genetics (formerly Invitae), Labcorp
Classification: Benign for Fanconi anemia. Last evaluated: 2026-01-13. Review status: criteria provided, single submitter. Criteria: Invitae Variant Classification Sherloc (09022015). Collection method: clinical testing. Allele origin: germline.

Blueprint Genetics
Classification: Likely benign. Last evaluated: 2023-06-20. Review status: criteria provided, single submitter. Criteria: ACMG Guidelines, 2015. Collection method: clinical testing. Allele origin: germline.

Illumina Laboratory Services, Illumina
Classification: Benign for Fanconi anemia complementation group B. Last evaluated: 2018-01-13. Review status: criteria provided, single submitter. Criteria: ICSL Variant Classification Criteria 13 December 2019. Collection method: clinical testing. Allele origin: germline.
Comment: This variant was observed in the ICSL laboratory as part of a predisposition screen in an ostensibly healthy population. It had not been previously curated by ICSL or reported in the Human Gene Mutation Database (HGMD: prior to June 1st, 2018), and was therefore a candidate for classification through an automated scoring system. Utilizing variant allele frequency, disease prevalence and penetrance estimates, and inheritance mode, an automated score was calculated to assess if this variant is too frequent to cause the disease. Based on the score and internal cut-off values, a variant classified as benign is not then subjected to further curation. The score for this variant resulted in a classification of benign for this disease.

Illumina Laboratory Services, Illumina
Classification: Benign for VACTERL association with hydrocephaly, X-linked. Last evaluated: 2018-01-13. Review status: criteria provided, single submitter. Criteria: ICSL Variant Classification Criteria 13 December 2019. Collection method: clinical testing. Allele origin: germline.
Comment: the same text as in the submission from Illumina Laboratory Services, Illumina above.